The following is an entry in ClinVar:

ClinVar aggregate classification (germline): Uncertain significance (1 of 4 stars; one submission).

Conditions:
Dyskeratosis congenita. Identifiers: Orphanet 1775, MedGen C0265965, MONDO:0015780.

Allele frequency attached by ClinVar (database versions not stated): gnomAD exomes below 0.00001; gnomAD 0.00001; TOPMed 0.00001.
gnomAD v4.1: 3 of 1,614,062 alleles (0.00019%); highest among the groups gnomAD compares: African/African-American, 0.004%; no homozygotes.

Submission:

Labcorp Genetics (formerly Invitae), Labcorp
Classification: Uncertain significance for Dyskeratosis congenita. Last evaluated: 2022-05-06. Review status: criteria provided, single submitter. Criteria: Invitae Variant Classification Sherloc (09022015). Collection method: clinical testing. Allele origin: germline.
Comment: In summary, the available evidence is currently insufficient to determine the role of this variant in disease. Therefore, it has been classified as a Variant of Uncertain Significance. Algorithms developed to predict the effect of missense changes on protein structure and function are either unavailable or do not agree on the potential impact of this missense change (SIFT: "Deleterious"; PolyPhen-2: "Possibly Damaging"; Align-GVGD: "Class C0"). This variant has not been reported in the literature in individuals affected with TINF2-related conditions. This variant is not present in population databases (gnomAD no frequency). This sequence change replaces tryptophan, which is neutral and slightly polar, with arginine, which is basic and polar, at codon 176 of the TINF2 protein (p.Trp176Arg).

NM_001099274.3(TINF2):c.526T>C (p.Trp176Arg)

Gene: TINF2 (TERF1 interacting nuclear factor 2; minus strand). Cytogenetic location: 14q12.
Variant type: single nucleotide variant.
Coding change: c.526T>C on transcript NM_001099274.3 (MANE Select); coding-DNA position 526, T replaced by C.
Protein change: p.Trp176Arg; replaces tryptophan 176 with arginine.
Molecular consequence: missense variant.
Genome position (GRCh38, 1-based): chr14:24,241,098, A>G on the plus strand (T>C on the coding strand, the complement: TINF2 is on the minus strand). VCF-style: chr14-24241098-A-G. GRCh37 (hg19) VCF-style: chr14-24710304-A-G.
Other names: c.421T>C, p.Trp141Arg (NM_001363668.2); c.526T>C, p.Trp176Arg (NM_012461.3); short protein forms W141R, W176R.
Identifiers: ClinVar variation 2193054 (VCV002193054.4), dbSNP rs1057093734, ClinGen allele CA257883018.